The following is an entry in ClinVar:

NM_058216.3(RAD51C):c.784_787dup (p.Asn263fs)

Gene: RAD51C (RAD51 paralog C; plus strand). Cytogenetic location: 17q22.
Variant type: Duplication.
Coding change: c.784_787dup on transcript NM_058216.3 (MANE Select); coding-DNA positions 784 to 787, 4 bases duplicated (TTAA; older notation c.784_787dupTTAA).
Protein change: p.Asn263fs; shifts the reading frame from asparagine 263.
Molecular consequence: frameshift variant. On other transcripts: non-coding transcript variant (1).
Genome position (GRCh38, 1-based): chr17:58,709,937-58,709,940, TTAA duplicated; duplicating any 4 consecutive bases within chr17:58,709,936-58,709,940 gives the same sequence; the c. name uses the placement nearest the transcript's 3' end. VCF-style (leftmost placement, unchanged base first): chr17-58709935-T-TATTA. GRCh37 (hg19) VCF-style: chr17-56787296-T-TATTA.
Other names: c.*212_*215dup (NM_058217.1); short protein forms N263fs.
Identifiers: ClinVar variation 2431248 (VCV002431248.4), dbSNP rs2509313550, ClinGen allele CA2580094348.
Genomic context (GRCh38, chr17:58,709,935, plus strand): 5'-TGGATGGTATTGCTTTTCCATTTCGTCATGACCTAGATGACCTGTCTCTTCGTACTCGGT[T>TATTA]ATTAAATGGCCTAGCCCAGCAAATGATCAGCCTTGCAAATAATCACAGATTAGCTGTAAG-3'

ClinVar aggregate classification (germline): Pathogenic. Review status: criteria provided, multiple submitters, no conflicts (2 of 4 stars). 2 submissions from 2 submitters: Pathogenic (2). Last evaluated 2023-01-19.

Conditions:
Breast-ovarian cancer, familial, susceptibility to, 3. Also called: RAD51C-Related Breast/Ovarian Cancer. Identifiers: Orphanet 145, MedGen C3150659, MONDO:0013253, OMIM 613399.
Fanconi anemia complementation group O. Also called: RAD51C-Related Fanconi Anemia. Identifiers: Orphanet 84, MedGen C3150653, MONDO:0013248, OMIM 613390.

Submissions (2):

Myriad Genetics, Inc.
Classification: Pathogenic for Breast-ovarian cancer, familial, susceptibility to, 3. Last evaluated: 2023-01-19. Review status: criteria provided, single submitter. Criteria: Myriad Autosomal Dominant, Autosomal Recessive and X-Linked Classification Criteria (2023). Collection method: clinical testing. Allele origin: unknown.
Comment: This variant is considered pathogenic. This variant creates a frameshift predicted to result in premature protein truncation.

Labcorp Genetics (formerly Invitae), Labcorp
Classification: Pathogenic for Fanconi anemia complementation group O. Last evaluated: 2022-10-30. Review status: criteria provided, single submitter. Criteria: Invitae Variant Classification Sherloc (09022015). Collection method: clinical testing. Allele origin: germline.
Comment: For these reasons, this variant has been classified as Pathogenic. This variant has not been reported in the literature in individuals affected with RAD51C-related conditions. This variant is not present in population databases (gnomAD no frequency). This sequence change creates a premature translational stop signal (p.Asn263Ilefs*14) in the RAD51C gene. It is expected to result in an absent or disrupted protein product. Loss-of-function variants in RAD51C are known to be pathogenic (PMID: 20400964, 21990120, 24800917).

Literature cited by the submitters: PubMed 20400964 (cited by Labcorp Genetics (formerly Invitae), Labcorp); PubMed 21990120 (cited by Labcorp Genetics (formerly Invitae), Labcorp); PubMed 24800917 (cited by Labcorp Genetics (formerly Invitae), Labcorp).